The following is an entry in ClinVar:

ClinVar aggregate classification (germline): Uncertain significance. Review status: criteria provided, multiple submitters, no conflicts (2 of 4 stars). 2 submissions from 2 submitters: Uncertain significance (2). Last evaluated 2022-08-26.

Allele frequency attached by ClinVar (database versions not stated): gnomAD exomes 0.00001; gnomAD 0.00003 and 0.00004; ExAC 0.00004; TOPMed 0.00005; ESP Exome Variant Server 0.00008.
gnomAD v4.1: 13 of 1,610,064 alleles (0.00081%); highest among the groups gnomAD compares: African/African-American, 0.013%; no homozygotes.

Submissions (2):

Blueprint Genetics
Classification: Uncertain significance. Last evaluated: 2022-08-26. Review status: criteria provided, single submitter. Criteria: ACMG Guidelines, 2015. Collection method: clinical testing. Allele origin: germline.

Labcorp Genetics (formerly Invitae), Labcorp
Classification: Uncertain significance. Last evaluated: 2022-06-14. Review status: criteria provided, single submitter. Criteria: Invitae Variant Classification Sherloc (09022015). Collection method: clinical testing. Allele origin: germline.
Comment: This sequence change replaces glutamic acid, which is acidic and polar, with alanine, which is neutral and non-polar, at codon 435 of the CEP78 protein (p.Glu435Ala). This variant is present in population databases (rs375032865, gnomAD 0.02%). This variant has not been reported in the literature in individuals affected with CEP78-related conditions. ClinVar contains an entry for this variant (Variation ID: 1005985). Algorithms developed to predict the effect of missense changes on protein structure and function are either unavailable or do not agree on the potential impact of this missense change (SIFT: "Deleterious"; PolyPhen-2: "Probably Damaging"; Align-GVGD: "Class C0"). Algorithms developed to predict the effect of sequence changes on RNA splicing suggest that this variant may create or strengthen a splice site. In summary, the available evidence is currently insufficient to determine the role of this variant in disease. Therefore, it has been classified as a Variant of Uncertain Significance.

NM_001330691.3(CEP78):c.1301A>C (p.Glu434Ala)

Gene: CEP78 (centrosomal protein 78; plus strand). Cytogenetic location: 9q21.2.
Variant type: single nucleotide variant.
Coding change: c.1301A>C on transcript NM_001330691.3 (MANE Select); coding-DNA position 1301, A replaced by C.
Protein change: p.Glu434Ala; replaces glutamic acid 434 with alanine.
Molecular consequence: missense variant.
Genome position (GRCh38, 1-based): chr9:78,254,885, A>C. VCF-style: chr9-78254885-A-C. GRCh37 (hg19) VCF-style: chr9-80869801-A-C.
Other names: c.1304A>C, p.Glu435Ala (NM_001098802.3, NM_001349839.2, NM_001349840.2 and 1 more transcripts); c.1301A>C, p.Glu434Ala (NM_001330693.3, NM_001330694.2, NM_001349838.2); short protein forms E434A, E435A.
Identifiers: ClinVar variation 1005985 (VCV001005985.5), dbSNP rs375032865, ClinGen allele CA5095219.